The following is an entry in ClinVar:

ClinVar aggregate classification (germline): Likely benign. Review status: criteria provided, multiple submitters, no conflicts (2 of 4 stars). 4 submissions from 4 submitters: Likely benign (4). Last evaluated 2026-01-12.

Conditions:
Cardiovascular phenotype. Identifiers: MedGen CN230736.
Osteogenesis imperfecta type I (OI1). Also called: Osteogenesis imperfecta type 1; Lobstein's Disease; Lobstein disease; OI, TYPE I; OSTEOGENESIS IMPERFECTA TARDA; OSTEOGENESIS IMPERFECTA WITH BLUE SCLERAE. Identifiers: Orphanet 216796, Orphanet 666, MedGen C0023931, MONDO:0008146, OMIM 166200. Disease mechanism: loss of function.

gnomAD v4.1: 10 of 1,465,592 alleles (0.00068%); highest among the groups gnomAD compares: Middle Eastern, 0.024%; no homozygotes.

Submissions (4):

Labcorp Genetics (formerly Invitae), Labcorp
Classification: Likely benign for Osteogenesis imperfecta type I. Last evaluated: 2026-01-12. Review status: criteria provided, single submitter. Criteria: Invitae Variant Classification Sherloc (09022015). Collection method: clinical testing. Allele origin: germline.

Women's Health and Genetics/Laboratory Corporation of America, LabCorp
Classification: Likely benign. Last evaluated: 2025-10-06. Review status: criteria provided, single submitter. Criteria: LabCorp Variant Classification Summary - May 2015. Collection method: clinical testing. Allele origin: germline.

CeGaT Center for Human Genetics Tuebingen
Classification: Likely benign. Last evaluated: 2025-10-01. Review status: criteria provided, single submitter. Criteria: CeGaT Center For Human Genetics Tuebingen Variant Classification Criteria Version 2. Collection method: clinical testing. Allele origin: germline. Affected: yes. Observed: 1 variant allele.
Comment: COL1A1: BP4, BP7

Ambry Genetics
Classification: Likely benign for Cardiovascular phenotype. Last evaluated: 2020-11-09. Review status: criteria provided, single submitter. Criteria: Ambry Variant Classification Scheme 2023. Collection method: clinical testing. Allele origin: germline.

NM_000088.4(COL1A1):c.462C>A (p.Gly154=)

Gene: COL1A1 (collagen type I alpha 1 chain; minus strand). Cytogenetic location: 17q21.33.
Variant type: single nucleotide variant.
Coding change: c.462C>A on transcript NM_000088.4 (MANE Select); coding-DNA position 462, C replaced by A.
Protein change: p.Gly154=; no amino-acid change (glycine 154 retained).
Molecular consequence: synonymous variant.
Genome position (GRCh38, 1-based): chr17:50,199,235, G>T on the plus strand (C>A on the coding strand, the complement: COL1A1 is on the minus strand). VCF-style: chr17-50199235-G-T. GRCh37 (hg19) VCF-style: chr17-48276596-G-T.
Identifiers: ClinVar variation 1742005 (VCV001742005.14), dbSNP rs41317351, ClinGen allele CA500852140.